The following is an entry in ClinVar:

ClinVar aggregate classification (germline): Uncertain significance (1 of 4 stars; one submission).

Submission:

GeneDx
Classification: Uncertain significance. Last evaluated: 2025-03-12. Review status: criteria provided, single submitter. Criteria: GeneDx Variant Classification Process June 2021. Collection method: clinical testing. Allele origin: germline. Affected: yes.
Comment: Not observed at significant frequency in large population cohorts (gnomAD); In silico analysis supports that this missense variant has a deleterious effect on protein structure/function; Has not been previously published as pathogenic or benign to our knowledge

NM_000256.3(MYBPC3):c.2053A>G (p.Lys685Glu)

Gene: MYBPC3 (myosin binding protein C3; minus strand). Cytogenetic location: 11p11.2.
Variant type: single nucleotide variant.
Coding change: c.2053A>G on transcript NM_000256.3 (MANE Select); coding-DNA position 2053, A replaced by G.
Protein change: p.Lys685Glu; replaces lysine 685 with glutamic acid.
Molecular consequence: missense variant.
Genome position (GRCh38, 1-based): chr11:47,339,665, T>C on the plus strand (A>G on the coding strand, the complement: MYBPC3 is on the minus strand). VCF-style: chr11-47339665-T-C. GRCh37 (hg19) VCF-style: chr11-47361216-T-C.
Other names: short protein forms K685E.
Identifiers: ClinVar variation 4086531 (VCV004086531.1).